The following is an entry in ClinVar:

ClinVar aggregate classification (germline): Likely pathogenic (1 of 4 stars; one submission).

gnomAD v4.1: 2 of 1,613,434 alleles (0.00012%); highest among the groups gnomAD compares: Non-Finnish European, 0.00017%; no homozygotes.

Submission:

Labcorp Genetics (formerly Invitae), Labcorp
Classification: Likely pathogenic. Last evaluated: 2025-11-11. Review status: criteria provided, single submitter. Criteria: Invitae Variant Classification Sherloc (09022015). Collection method: clinical testing. Allele origin: germline.
Comment: This sequence change affects a donor splice site in intron 2 of the LTBP4 gene. It is expected to disrupt RNA splicing. Variants that disrupt the donor or acceptor splice site typically lead to a loss of protein function (PMID: 16199547), and loss-of-function variants in LTBP4 are known to be pathogenic (PMID: 19836010, 22829427). This variant is not present in population databases (gnomAD no frequency). This variant has not been reported in the literature in individuals affected with LTBP4-related conditions. Algorithms developed to predict the effect of sequence changes on RNA splicing suggest that this variant may disrupt the consensus splice site. In summary, the currently available evidence indicates that the variant is pathogenic, but additional data are needed to prove that conclusively. Therefore, this variant has been classified as Likely Pathogenic.

Literature cited by the submitters: PubMed 16199547; PubMed 19836010; PubMed 22829427.

NM_003573.2(LTBP4):c.75+2T>G

Gene: LTBP4 (latent transforming growth factor beta binding protein 4; plus strand). Cytogenetic location: 19q13.2.
Variant type: single nucleotide variant.
Coding change: c.75+2T>G on transcript NM_003573.2; the canonical splice donor site of the intron after coding-DNA position 75, T replaced by G.
Molecular consequence: splice donor variant.
Genome position (GRCh38, 1-based): chr19:40,599,257, T>G. VCF-style: chr19-40599257-T-G. GRCh37 (hg19) VCF-style: chr19-41105163-T-G.
Other names: c.205+2T>G (NM_001042544.1).
Identifiers: ClinVar variation 4730500 (VCV004730500.1).